The following is an entry in ClinVar:

NM_020320.5(RARS2):c.1296C>T (p.Leu432=)

Gene: RARS2 (arginyl-tRNA synthetase 2, mitochondrial; minus strand). Cytogenetic location: 6q15.
Variant type: single nucleotide variant.
Coding change: c.1296C>T on transcript NM_020320.5 (MANE Select); coding-DNA position 1296, C replaced by T.
Protein change: p.Leu432=; no amino-acid change (leucine 432 retained).
Molecular consequence: synonymous variant. On other transcripts: non-coding transcript variant (23).
Genome position (GRCh38, 1-based): chr6:87,518,833, G>A on the plus strand (C>T on the coding strand, the complement: RARS2 is on the minus strand). VCF-style: chr6-87518833-G-A. GRCh37 (hg19) VCF-style: chr6-88228551-G-A.
Other names: p.Leu432=; c.771C>T, p.Leu257= (NM_001318785.2, NM_001350506.2, NM_001350507.2 and 4 more transcripts); c.1296C>T, p.Leu432= (NM_001350505.2).
Identifiers: ClinVar variation 1161684 (VCV001161684.10), dbSNP rs372092585, ClinGen allele CA3916335.
Genomic context (GRCh38, chr6:87,518,833, plus strand): 5'-TTTGCTCTAGTACCAAACAAAAGGGCCTCACAGGTAGGAGTCTTAACAGACCTGAATAAT[G>A]AGTGCTGCGAGCCCGACCCTCTCTGCAGTCTCTTGTGGGTTCTTGAGTTCTTTAGTTGCT-3'
Protein context (NP_064716.2, residues 422-442): ETAERVGLAA[Leu432=]IIQDFKGLLL

ClinVar aggregate classification (germline): Likely benign. Review status: criteria provided, multiple submitters, no conflicts (2 of 4 stars). 2 submissions from 2 submitters: Likely benign (2). Last evaluated 2025-12-22.

Allele frequency attached by ClinVar (database versions not stated): ExAC 0.00002; gnomAD 0.00004 and 0.00005; gnomAD exomes 0.00004; TOPMed 0.00007; ESP Exome Variant Server 0.00008.
gnomAD v4.1: 92 of 1,613,968 alleles (0.0057%); highest among the groups gnomAD compares: Non-Finnish European, 0.0073%; no homozygotes.

Submissions (2):

Labcorp Genetics (formerly Invitae), Labcorp
Classification: Likely benign. Last evaluated: 2025-12-22. Review status: criteria provided, single submitter. Criteria: Invitae Variant Classification Sherloc (09022015). Collection method: clinical testing. Allele origin: germline.

Mayo Clinic Laboratories, Mayo Clinic
Classification: Likely benign. Last evaluated: 2025-09-29. Review status: criteria provided, single submitter. Criteria: ACMG Guidelines, 2015. Collection method: clinical testing. Allele origin: germline. Observed: 1 variant allele.
Comment: BP4, BP7